The following is an entry in ClinVar:

NM_001372.4(DNAH9):c.12970CTC[1] (p.Leu4325del)

Gene: DNAH9 (dynein axonemal heavy chain 9; plus strand). Cytogenetic location: 17p12.
Variant type: Microsatellite.
Coding change: c.12970CTC[1] on transcript NM_001372.4 (MANE Select); one copy of the 3-base unit CTC starting at c.12970; the reference has two copies in a row; one copy, 3 bases deleted.
Protein change: p.Leu4325del; deletes leucine 4325.
Molecular consequence: inframe deletion.
Genome position (GRCh38, 1-based): chr17:11,961,996-11,961,998, CTC deleted; deleting any 3 consecutive bases within chr17:11,961,992-11,961,998 gives the same sequence; the position shown is the placement nearest the transcript's 3' end. VCF-style (leftmost placement, unchanged base first): chr17-11961991-ACCT-A. GRCh37 (hg19) VCF-style: chr17-11865308-ACCT-A.
Other names: c.1906CTC[1], p.Leu637del (NM_004662.2); short protein forms L637del, L4325del.
Identifiers: ClinVar variation 1374309 (VCV001374309.3), dbSNP rs1976233682, ClinGen allele CA981532882.

ClinVar aggregate classification (germline): Uncertain significance (1 of 4 stars; one submission).

Submission:

Labcorp Genetics (formerly Invitae), Labcorp
Classification: Uncertain significance. Last evaluated: 2021-09-17. Review status: criteria provided, single submitter. Criteria: Invitae Variant Classification Sherloc (09022015). Collection method: clinical testing. Allele origin: germline.
Comment: This variant, c.12973_12975del, results in the deletion of 1 amino acid(s) of the DNAH9 protein (p.Leu4325del), but otherwise preserves the integrity of the reading frame. This variant is not present in population databases (ExAC no frequency). This variant has not been reported in the literature in individuals affected with DNAH9-related conditions. Experimental studies and prediction algorithms are not available or were not evaluated, and the functional significance of this variant is currently unknown. In summary, the available evidence is currently insufficient to determine the role of this variant in disease. Therefore, it has been classified as a Variant of Uncertain Significance.